The following is an entry in ClinVar:

NM_181672.3(OGT):c.2266-4del

Gene: OGT (O-linked N-acetylglucosamine (GlcNAc) transferase; plus strand). Cytogenetic location: Xq13.1.
Variant type: Deletion.
Coding change: c.2266-4del on transcript NM_181672.3 (MANE Select); 4 bases into the intron before coding-DNA position 2266, one base deleted (T; older notation c.2266-4delT).
Molecular consequence: intron variant.
Genome position (GRCh38, 1-based): chrX:71,563,325, T deleted; the last of 9 consecutive T bases (chrX:71,563,317-71,563,325); deleting any one gives the same sequence. VCF-style (leftmost placement, unchanged base first): chrX-71563316-AT-A. GRCh37 (hg19) VCF-style: chrX-70783166-AT-A.
Other names: NC_000023.10:g.70783175del; c.2236-4del (NM_181673.3).
Identifiers: ClinVar variation 681374 (VCV000681374.6), dbSNP rs766625269, ClinGen allele CA10447773.

ClinVar aggregate classification (germline): Benign/Likely benign. Review status: criteria provided, multiple submitters, no conflicts (2 of 4 stars). 2 submissions from 2 submitters: Benign (1); Likely benign (1). Last evaluated 2022-05-04.

Submissions (7):

Labcorp Genetics (formerly Invitae), Labcorp
Classification: Benign. Last evaluated: 2022-05-04. Review status: criteria provided, single submitter. Criteria: Invitae Variant Classification Sherloc (09022015). Collection method: clinical testing. Allele origin: germline.

GeneDx
Classification: Likely benign. Last evaluated: 2018-03-27. Review status: criteria provided, single submitter. Criteria: GeneDx Variant Classification (06012015). Collection method: clinical testing. Allele origin: germline. Affected: yes.
Comment: This variant is considered likely benign or benign based on one or more of the following criteria: it is a conservative change, it occurs at a poorly conserved position in the protein, it is predicted to be benign by multiple in silico algorithms, and/or has population frequency not consistent with disease.

Dr. Peter K. Rogan Lab, Western University
No classification provided (evidence only). Condition: Familial cancer of breast. Review status: no classification provided. Collection method: in vitro. Allele origin: not applicable. Functional consequence: retained intron. Not counted in ClinVar's aggregate classification.

Dr. Peter K. Rogan Lab, Western University
No classification provided (evidence only). Condition: Familial cancer of breast. Review status: no classification provided. Collection method: in vitro. Allele origin: not applicable. Functional consequence: retained intron. Not counted in ClinVar's aggregate classification.

Dr. Peter K. Rogan Lab, Western University
No classification provided (evidence only). Condition: Familial cancer of breast. Review status: no classification provided. Collection method: in vitro. Allele origin: not applicable. Functional consequence: retained intron. Not counted in ClinVar's aggregate classification.

Dr. Peter K. Rogan Lab, Western University
No classification provided (evidence only). Condition: Familial cancer of breast. Review status: no classification provided. Collection method: in vitro. Allele origin: not applicable. Functional consequence: retained intron. Not counted in ClinVar's aggregate classification.

Dr. Peter K. Rogan Lab, Western University
No classification provided (evidence only). Condition: Colon adenocarcinoma. Review status: no classification provided. Collection method: in vitro. Allele origin: not applicable. Functional consequence: retained intron. Not counted in ClinVar's aggregate classification.